The following is an entry in ClinVar:

NM_206933.4(USH2A):c.5007del (p.Phe1669fs)

Genes: USH2A (usherin; minus strand), USH2A-AS2 (USH2A antisense RNA 2; plus strand). Cytogenetic location: 1q41.
Variant type: Deletion.
Coding change: c.5007del on transcript NM_206933.4 (MANE Select); coding-DNA position 5007, one base deleted (T; older notation c.5007delT).
Protein change: p.Phe1669fs; shifts the reading frame from phenylalanine 1669.
Molecular consequence: frameshift variant.
Genome position (GRCh38, 1-based): chr1:216,084,858, A deleted on the plus strand (T on the coding strand, the reverse complement: USH2A is on the minus strand); the first of 4 consecutive A bases (chr1:216,084,858-216,084,861); deleting any one gives the same sequence. VCF-style (leftmost placement, unchanged base first): chr1-216084857-CA-C. GRCh37 (hg19) VCF-style: chr1-216258199-CA-C.
Other names: short protein forms F1669fs.
Identifiers: ClinVar variation 2017595 (VCV002017595.4), dbSNP rs2527808923, ClinGen allele CA645533509.

ClinVar aggregate classification (germline): Pathogenic (1 of 4 stars; one submission).

Submission:

Labcorp Genetics (formerly Invitae), Labcorp
Classification: Pathogenic. Last evaluated: 2025-09-08. Review status: criteria provided, single submitter. Criteria: Invitae Variant Classification Sherloc (09022015). Collection method: clinical testing. Allele origin: germline.
Comment: This sequence change creates a premature translational stop signal (p.Phe1669Leufs*11) in the USH2A gene. It is expected to result in an absent or disrupted protein product. Loss-of-function variants in USH2A are known to be pathogenic (PMID: 10729113, 10909849, 20507924, 25649381). This variant is not present in population databases (gnomAD no frequency). This variant has not been reported in the literature in individuals affected with USH2A-related conditions. ClinVar contains an entry for this variant (Variation ID: 2017595). For these reasons, this variant has been classified as Pathogenic.

Literature cited by the submitters: PubMed 10729113; PubMed 10909849; PubMed 20507924; PubMed 25649381.